The following is an entry in ClinVar:

NM_199242.3(UNC13D):c.79dup (p.Arg27fs)

Gene: UNC13D (unc-13 homolog D; minus strand). Cytogenetic location: 17q25.1.
Variant type: Duplication.
Coding change: c.79dup on transcript NM_199242.3 (MANE Select); coding-DNA position 79, one base duplicated (A; older notation c.79dupA).
Protein change: p.Arg27fs; shifts the reading frame from arginine 27.
Molecular consequence: frameshift variant.
Genome position (GRCh38, 1-based): chr17:75,844,259, T duplicated on the plus strand (A on the coding strand, the reverse complement: UNC13D is on the minus strand). VCF-style (leftmost placement, unchanged base first): chr17-75844258-C-CT. GRCh37 (hg19) VCF-style: chr17-73840339-C-CT.
Other names: short protein forms R27fs.
Identifiers: ClinVar variation 1338637 (VCV001338637.8), dbSNP rs1244919509, ClinGen allele CA627422207.

ClinVar aggregate classification (germline): Pathogenic/Likely pathogenic. Review status: criteria provided, multiple submitters, no conflicts (2 of 4 stars). 3 submissions from 3 submitters: Pathogenic (1); Likely pathogenic (2). Last evaluated 2025-02-16.

Conditions:
Familial hemophagocytic lymphohistiocytosis 3 (FHL3). Also called: UNC13D-Related Familial Hemophagocytic Lymphohistiocytosis (UNC13D-fHLH). Identifiers: Orphanet 540, MedGen C1837174, MONDO:0012146, OMIM 608898.

Allele frequency attached by ClinVar (database versions not stated): gnomAD exomes below 0.00001.

Submissions (3):

Laboratory of Genetics, Children's Clinical University Hospital Latvia
Classification: Likely pathogenic. Last evaluated: 2025-02-16. Review status: criteria provided, single submitter. Criteria: ACMG Guidelines, 2015. Collection method: clinical testing. Allele origin: germline. Affected: yes.

Labcorp Genetics (formerly Invitae), Labcorp
Classification: Pathogenic for Familial hemophagocytic lymphohistiocytosis 3. Last evaluated: 2023-09-06. Review status: criteria provided, single submitter. Criteria: Invitae Variant Classification Sherloc (09022015). Collection method: clinical testing. Allele origin: germline.
Comment: This sequence change creates a premature translational stop signal (p.Arg27Lysfs*45) in the UNC13D gene. It is expected to result in an absent or disrupted protein product. Loss-of-function variants in UNC13D are known to be pathogenic (PMID: 14622600). This variant has not been reported in the literature in individuals affected with UNC13D-related conditions. This variant is present in population databases (no rsID available, gnomAD 0.003%). For these reasons, this variant has been classified as Pathogenic. ClinVar contains an entry for this variant (Variation ID: 1338637).

Genetic Services Laboratory, University of Chicago
Classification: Likely pathogenic. Last evaluated: 2021-04-25. Review status: criteria provided, single submitter. Criteria: ACMG Guidelines, 2015. Collection method: clinical testing. Allele origin: germline. Affected: yes.
Comment: DNA sequence analysis of the UNC13D gene demonstrated a single base pair duplication in exon 1, c.79dup. This sequence change results in an amino acid frameshift and creates a premature stop codon 45 amino acids downstream of the change, p.Arg27Lysfs*45. This sequence change is predicted to result in an abnormal transcript, which may be degraded, or may lead to the production of a truncated UNC13D protein with potentially abnormal function. This sequence change does not appear to have been previously described in patients with UNC13D-related disorders, but other downstream truncating variants have been described in patients with familial hemaphagocytic lymphohistiocytosis type 3 (PMIDs: 21248318, 14622600). This sequence change has been described in one south Asian individual in the gnomAD population database (rs1244919509). Collectively these evidences suggest that, the p.Arg27Lysfs*45 change is likely pathogenic, however functional studies have not been performed to prove this conclusively.

Literature cited by the submitters: PubMed 14622600 (cited by Labcorp Genetics (formerly Invitae), Labcorp).